The following is an entry in ClinVar:

ClinVar aggregate classification (germline): Pathogenic. Review status: criteria provided, multiple submitters, no conflicts (2 of 4 stars). 4 submissions from 4 submitters: Pathogenic (3). 1 of the submissions does not count toward it. Last evaluated 2022-08-07.

Conditions:
Retinal dystrophy. Also called: Inherited retinal dystrophy. Identifiers: Orphanet 71862, MedGen C0854723, MeSH D058499, MONDO:0019118, HP:0000556.
C2ORF71 & PCARE-related disorders.
PCARE-related disorder. Also called: PCARE-related condition.

Allele frequency attached by ClinVar (database versions not stated): gnomAD exomes below 0.00001; gnomAD 0.00001; TOPMed 0.00004.

Submissions (4):

Labcorp Genetics (formerly Invitae), Labcorp
Classification: Pathogenic. Last evaluated: 2022-08-07. Review status: criteria provided, single submitter. Criteria: Invitae Variant Classification Sherloc (09022015). Collection method: clinical testing. Allele origin: germline.
Comment: For these reasons, this variant has been classified as Pathogenic. ClinVar contains an entry for this variant (Variation ID: 866727). This premature translational stop signal has been observed in individual(s) with retinitis pigmentosa (PMID: 27353947). This variant is not present in population databases (gnomAD no frequency). This sequence change creates a premature translational stop signal (p.Gly570Glufs*3) in the PCARE gene. It is expected to result in an absent or disrupted protein product. Loss-of-function variants in PCARE are known to be pathogenic (PMID: 20398886, 24339724, 26496393).

Blueprint Genetics
Classification: Pathogenic for C2ORF71 & PCARE-related disorders. Last evaluated: 2020-08-21. Review status: criteria provided, single submitter. Criteria: ACMG Guidelines, 2015. Collection method: clinical testing. Allele origin: germline. Affected: yes. Observed: 4 variant alleles.

Institute of Human Genetics, Univ. Regensburg, Univ. Regensburg
Classification: Pathogenic for Retinal dystrophy. Last evaluated: 2018-01-01. Review status: criteria provided, single submitter. Criteria: ACMG Guidelines, 2015. Collection method: clinical testing. Allele origin: germline. Affected: yes.

PreventionGenetics, part of Exact Sciences
Classification: Pathogenic for PCARE-related condition. Last evaluated: 2024-09-03. Review status: no assertion criteria provided. Collection method: clinical testing. Allele origin: germline. Not counted in ClinVar's aggregate classification.
Comment: The PCARE c.1709_1728del20 variant is predicted to result in a frameshift and premature protein termination (p.Gly570Glufs*3). This variant has been reported homozygous and compound heterozygous with other PCARE loss-of-function variants in multiple individuals with retinitis pigmentosa (Table 1, Tiwari et al. 2016. PubMed ID: 27353947; Table 1, Gerth-Kahlert et al. 2017. PubMed ID: 28763557). This variant is reported in one allele out of ~249,000 alleles in gnomAD. Frameshift variants in PCARE are expected to be pathogenic. This variant is interpreted as pathogenic.

Literature cited by the submitters: PubMed 27353947 (cited by Labcorp Genetics (formerly Invitae), Labcorp and Institute of Human Genetics, Univ. Regensburg, Univ. Regensburg); PubMed 20398886 (cited by Labcorp Genetics (formerly Invitae), Labcorp); PubMed 24339724 (cited by Labcorp Genetics (formerly Invitae), Labcorp); PubMed 26496393 (cited by Labcorp Genetics (formerly Invitae), Labcorp); PubMed 28763557 (cited by Institute of Human Genetics, Univ. Regensburg, Univ. Regensburg); PubMed 34440443 (cited by Institute of Human Genetics, Univ. Regensburg, Univ. Regensburg).

NM_001029883.3(PCARE):c.1709_1728del (p.Gly570fs)

Gene: PCARE (photoreceptor cilium actin regulator; minus strand). Cytogenetic location: 2p23.2.
Variant type: Deletion.
Coding change: c.1709_1728del on transcript NM_001029883.3 (MANE Select); coding-DNA positions 1709 to 1728, 20 bases deleted (GGAGGACAGTGGTCCCCCCA).
Protein change: p.Gly570fs; shifts the reading frame from glycine 570.
Molecular consequence: frameshift variant.
Genome position (GRCh38, 1-based): chr2:29,072,534-29,072,553, TGGGGGGACCACTGTCCTCC deleted on the plus strand (GGAGGACAGTGGTCCCCCCA on the coding strand, the reverse complement: PCARE is on the minus strand). VCF-style (leftmost placement, unchanged base first): chr2-29072533-TTGGGGGGACCACTGTCCTCC-T. GRCh37 (hg19) VCF-style: chr2-29295399-TTGGGGGGACCACTGTCCTCC-T.
Other names: c.1709_1728del20 (NM_001029883.2); short protein forms G570fs.
Identifiers: ClinVar variation 866727 (VCV000866727.9), dbSNP rs1196801124, ClinGen allele CA767532028.